The following is an entry in ClinVar:

NM_002480.3(PPP1R12A):c.1089T>A (p.Asp363Glu)

Gene: PPP1R12A (protein phosphatase 1 regulatory subunit 12A; minus strand). Cytogenetic location: 12q21.2.
Variant type: single nucleotide variant.
Coding change: c.1089T>A on transcript NM_002480.3 (MANE Select); coding-DNA position 1089, T replaced by A.
Protein change: p.Asp363Glu; replaces aspartic acid 363 with glutamic acid.
Molecular consequence: missense variant.
Genome position (GRCh38, 1-based): chr12:79,820,799, A>T on the plus strand (T>A on the coding strand, the complement: PPP1R12A is on the minus strand). VCF-style: chr12-79820799-A-T. GRCh37 (hg19) VCF-style: chr12-80214579-A-T.
Other names: c.1089T>A, p.Asp363Glu (NM_001143885.2, NM_001244990.2, NM_001244992.1); c.828T>A, p.Asp276Glu (NM_001143886.2); short protein forms D276E, D363E.
Identifiers: ClinVar variation 3345655 (VCV003345655.1).

ClinVar aggregate classification (germline): Uncertain significance (0 of 4 stars; one submission).

Conditions:
PPP1R12A-related disorder. Also called: PPP1R12A-related condition.

Submission:

PreventionGenetics, part of Exact Sciences
Classification: Uncertain significance for PPP1R12A-related condition. Last evaluated: 2024-05-09. Review status: no assertion criteria provided. Collection method: clinical testing. Allele origin: germline.
Comment: The PPP1R12A c.1089T>A variant is predicted to result in the amino acid substitution p.Asp363Glu. To our knowledge, this variant has not been reported in the literature or in a large population database, indicating this variant is rare. At this time, the clinical significance of this variant is uncertain due to the absence of conclusive functional and genetic evidence.